The following is an entry in ClinVar:

NM_000092.5(COL4A4):c.2771G>T (p.Gly924Val)

Gene: COL4A4 (collagen type IV alpha 4 chain; minus strand). Cytogenetic location: 2q36.3.
Variant type: single nucleotide variant.
Coding change: c.2771G>T on transcript NM_000092.5 (MANE Select); coding-DNA position 2771, G replaced by T.
Protein change: p.Gly924Val; replaces glycine 924 with valine.
Molecular consequence: missense variant.
Genome position (GRCh38, 1-based): chr2:227,054,683, C>A on the plus strand (G>T on the coding strand, the complement: COL4A4 is on the minus strand). VCF-style: chr2-227054683-C-A. GRCh37 (hg19) VCF-style: chr2-227919399-C-A.
Other names: short protein forms G924V.
Identifiers: ClinVar variation 4817316 (VCV004817316.1).
Genomic context (GRCh38, chr2:227,054,683, plus strand): 5'-GGAAGGCCAGACATGCCCTTCTCTCCAGGTTCTCCCTTTGCGCCAGGACATCCCTCTGCA[C>A]CAGGCTTTCCTCTTTCTCCGGGAAAACCTGGGAAACCAGGCAGCCCCCGGGGTCCTGGTG-3'
Protein context (NP_000083.3, residues 914-934): PGFPGERGKP[Gly924Val]AEGCPGAKGE

ClinVar aggregate classification (germline): Likely pathogenic (1 of 4 stars; one submission).

Conditions:
Alport syndrome. Also called: Hemorrhagic familial nephritis; Hemorrhagic hereditary nephritis; Congenital hereditary hematuria. Identifiers: Orphanet 63, MedGen C1567741, MONDO:0018965.

Submission:

Natera, Inc.
Classification: Likely pathogenic for Alport syndrome. Last evaluated: 2025-09-04. Review status: criteria provided, single submitter. Criteria: Natera Variant Classification Schema (03/2026). Collection method: clinical testing. Allele origin: germline.
Comment: The c.2771G>T variant in COL4A4 is a missense variant predicted to cause substitution of glycine to valine at amino acid 924. This variant is rare in the general population with a frequency below the threshold expected for the associated phenotype(s). This variant is located in a functionally critical region of the protein. Computational prediction algorithms indicate this variant is likely to affect gene or protein function. Given the available evidence, this variant is classified as Likely Pathogenic.